The following is an entry in ClinVar:

NM_152296.5(ATP1A3):c.861C>T (p.Gly287=)

Gene: ATP1A3 (ATPase Na+/K+ transporting subunit alpha 3; minus strand). Cytogenetic location: 19q13.2.
Variant type: single nucleotide variant.
Coding change: c.861C>T on transcript NM_152296.5 (MANE Select); coding-DNA position 861, C replaced by T.
Protein change: p.Gly287=; no amino-acid change (glycine 287 retained).
Molecular consequence: synonymous variant.
Genome position (GRCh38, 1-based): chr19:41,985,050, G>A on the plus strand (C>T on the coding strand, the complement: ATP1A3 is on the minus strand). VCF-style: chr19-41985050-G-A. GRCh37 (hg19) VCF-style: chr19-42489202-G-A.
Other names: c.894C>T, p.Gly298= (NM_001256213.2); c.900C>T, p.Gly300= (NM_001256214.2); c.900C>T (NM_001256214.1).
Identifiers: ClinVar variation 841532 (VCV000841532.10), dbSNP rs539729675, ClinGen allele CA9467769.
Genomic context (GRCh38, chr19:41,985,050, plus strand): 5'-CCAGGTGTATCCGAGAATGAGGGAGAGGATGAAGAAGGAGACACCCAGGAAGACAGCCAC[G>A]CCGGTGATGAGCTGGATGAAGTGCTCAATCTCGATGGCGATGGGCGTCTTGCCCACCTCC-3'
Protein context (NP_689509.1, residues 277-297): EIEHFIQLIT[Gly287=]VAVFLGVSFF

ClinVar aggregate classification (germline): Likely benign. Review status: criteria provided, multiple submitters, no conflicts (2 of 4 stars). 3 submissions from 3 submitters: Likely benign (3). Last evaluated 2026-08-18.

Conditions:
Dystonia 12 (DYT12). Also called: Rapid-Onset Dystonia-Parkinsonism (RDP); DYT-ATP1A3. Identifiers: Orphanet 71517, MedGen C1868681, MONDO:0007496, OMIM 128235.
ATP1A3-related disorder. Also called: ATP1A3-related condition; ATP1A3-related disorders. Identifiers: MedGen CN381097.

Allele frequency attached by ClinVar (database versions not stated): gnomAD exomes 0.00001 and 0.00002; ExAC 0.00002; gnomAD 0.00004; TOPMed 0.00004; 1000 Genomes Project 30x 0.00016; 1000 Genomes Project 0.00020.
gnomAD v4.1: 15 of 1,613,948 alleles (0.00093%); highest among the groups gnomAD compares: African/African-American, 0.0053%; no homozygotes.

Submissions (3):

PreventionGenetics, part of Exact Sciences
Classification: Likely benign for ATP1A3-related condition. Last evaluated: 2026-08-18. Review status: criteria provided, single submitter. Criteria: ACMG Guidelines, 2015. Collection method: clinical testing. Allele origin: germline.
Comment: This variant is classified as likely benign based on ACMG/AMP sequence variant interpretation guidelines (Richards et al. 2015 PMID: 25741868, with internal and published modifications).

Blueprint Genetics
Classification: Likely benign. Last evaluated: 2024-11-26. Review status: criteria provided, single submitter. Criteria: ACMG Guidelines, 2015. Collection method: clinical testing. Allele origin: germline.

Labcorp Genetics (formerly Invitae), Labcorp
Classification: Likely benign for Dystonia 12. Last evaluated: 2024-06-05. Review status: criteria provided, single submitter. Criteria: Invitae Variant Classification Sherloc (09022015). Collection method: clinical testing. Allele origin: germline.